The following is an entry in ClinVar:

NM_004370.6(COL12A1):c.5233C>A (p.Pro1745Thr)

Gene: COL12A1 (collagen type XII alpha 1 chain; minus strand). Cytogenetic location: 6q13.
Variant type: single nucleotide variant.
Coding change: c.5233C>A on transcript NM_004370.6 (MANE Select); coding-DNA position 5233, C replaced by A.
Protein change: p.Pro1745Thr; replaces proline 1745 with threonine.
Molecular consequence: missense variant. On other transcripts: intron variant (1).
Genome position (GRCh38, 1-based): chr6:75,138,338, G>T on the plus strand (C>A on the coding strand, the complement: COL12A1 is on the minus strand). VCF-style: chr6-75138338-G-T. GRCh37 (hg19) VCF-style: chr6-75848054-G-T.
Other names: c.5233C>A, p.Pro1745Thr (NM_001424113.1); c.4960C>A, p.Pro1654Thr (NM_001424115.1); c.1741C>A, p.Pro581Thr (NM_001424116.1, NM_080645.3); c.5230+110C>A (NM_001424114.1); short protein forms P1654T, P1745T, P581T.
Identifiers: ClinVar variation 3359925 (VCV003359925.2).

ClinVar aggregate classification (germline): Uncertain significance (1 of 4 stars; one submission).

gnomAD v4.1: 18 of 1,610,376 alleles (0.0011%); highest among the groups gnomAD compares: South Asian, 0.017%; no homozygotes.

Submission:

GeneDx
Classification: Uncertain significance. Last evaluated: 2025-04-22. Review status: criteria provided, single submitter. Criteria: GeneDx Variant Classification Process June 2021. Collection method: clinical testing. Allele origin: germline.
Comment: In silico analysis supports that this missense variant does not alter protein structure/function; Has not been previously published as pathogenic or benign to our knowledge